The following is an entry in ClinVar:

NM_001005273.3(CHD3):c.1555G>A (p.Glu519Lys)

Gene: CHD3 (chromodomain helicase DNA binding protein 3; plus strand). Cytogenetic location: 17p13.1.
Variant type: single nucleotide variant.
Coding change: c.1555G>A on transcript NM_001005273.3 (MANE Select); coding-DNA position 1555, G replaced by A.
Protein change: p.Glu519Lys; replaces glutamic acid 519 with lysine.
Molecular consequence: missense variant.
Genome position (GRCh38, 1-based): chr17:7,895,390, G>A. VCF-style: chr17-7895390-G-A. GRCh37 (hg19) VCF-style: chr17-7798708-G-A.
Other names: c.1732G>A, p.Glu578Lys (NM_001005271.3); c.1555G>A, p.Glu519Lys (NM_005852.4); short protein forms E519K, E578K.
Identifiers: ClinVar variation 2504258 (VCV002504258.1), dbSNP rs1024324765, ClinGen allele CA287491516.

ClinVar aggregate classification (germline): Uncertain significance (1 of 4 stars; one submission).

gnomAD v4.1: 3 of 1,614,088 alleles (0.00019%); highest among the groups gnomAD compares: African/African-American, 0.0013%; no homozygotes.

Submission:

GeneDx
Classification: Uncertain significance. Last evaluated: 2022-12-05. Review status: criteria provided, single submitter. Criteria: GeneDx Variant Classification Process June 2021. Collection method: clinical testing. Allele origin: germline. Affected: yes.
Comment: Not observed at significant frequency in large population cohorts (gnomAD); In silico analysis supports that this missense variant has a deleterious effect on protein structure/function; Has not been previously published as pathogenic or benign to our knowledge